The following is an entry in ClinVar:

ClinVar aggregate classification (germline): Uncertain significance (1 of 4 stars; one submission).

gnomAD v4.1: 1 of 1,613,954 alleles (0.000062%); highest among the groups gnomAD compares: Non-Finnish European, 0.000085%; no homozygotes.

Submission:

GeneDx
Classification: Uncertain significance. Last evaluated: 2024-03-06. Review status: criteria provided, single submitter. Criteria: GeneDx Variant Classification Process June 2021. Collection method: clinical testing. Allele origin: germline. Affected: yes.
Comment: Not observed at significant frequency in large population cohorts (gnomAD); In silico analysis supports that this missense variant does not alter protein structure/function; Has not been previously published as pathogenic or benign to our knowledge

NM_001162501.2(TNRC6B):c.1226C>T (p.Ala409Val)

Gene: TNRC6B (trinucleotide repeat containing adaptor 6B; plus strand). Cytogenetic location: 22q13.1.
Variant type: single nucleotide variant.
Coding change: c.1226C>T on transcript NM_001162501.2 (MANE Select); coding-DNA position 1226, C replaced by T.
Protein change: p.Ala409Val; replaces alanine 409 with valine.
Molecular consequence: missense variant. On other transcripts: intron variant (1).
Genome position (GRCh38, 1-based): chr22:40,265,456, C>T. VCF-style: chr22-40265456-C-T. GRCh37 (hg19) VCF-style: chr22-40661460-C-T.
Other names: c.1226C>T, p.Ala409Val (NM_015088.3); c.565+3283C>T (NM_001024843.2); short protein forms A409V.
Identifiers: ClinVar variation 3370637 (VCV003370637.1).